The following is an entry in ClinVar:

NM_001369.3(DNAH5):c.1047T>A (p.Tyr349Ter)

Gene: DNAH5 (dynein axonemal heavy chain 5; minus strand). Cytogenetic location: 5p15.2.
Variant type: single nucleotide variant.
Coding change: c.1047T>A on transcript NM_001369.3 (MANE Select); coding-DNA position 1047, T replaced by A.
Protein change: p.Tyr349Ter; replaces tyrosine 349 with a stop codon.
Molecular consequence: nonsense.
Genome position (GRCh38, 1-based): chr5:13,917,185, A>T on the plus strand (T>A on the coding strand, the complement: DNAH5 is on the minus strand). VCF-style: chr5-13917185-A-T. GRCh37 (hg19) VCF-style: chr5-13917294-A-T.
Other names: short protein forms Y349*.
Identifiers: ClinVar variation 2969938 (VCV002969938.3), dbSNP rs1776735394, ClinGen allele CA359217784.

ClinVar aggregate classification (germline): Pathogenic (1 of 4 stars; one submission).

Conditions:
Primary ciliary dyskinesia. Also called: Ciliary dyskinesia. Identifiers: Orphanet 244, MedGen C0008780, MONDO:0016575, HP:0012265.

Submission:

Labcorp Genetics (formerly Invitae), Labcorp
Classification: Pathogenic for Primary ciliary dyskinesia. Last evaluated: 2023-05-29. Review status: criteria provided, single submitter. Criteria: Invitae Variant Classification Sherloc (09022015). Collection method: clinical testing. Allele origin: germline.
Comment: This variant is not present in population databases (gnomAD no frequency). This variant has not been reported in the literature in individuals affected with DNAH5-related conditions. For these reasons, this variant has been classified as Pathogenic. This sequence change creates a premature translational stop signal (p.Tyr349*) in the DNAH5 gene. It is expected to result in an absent or disrupted protein product. Loss-of-function variants in DNAH5 are known to be pathogenic (PMID: 11788826, 16627867).

Literature cited by the submitters: PubMed 11788826; PubMed 16627867.